The following is an entry in ClinVar:

NM_004006.3(DMD):c.3004A>G (p.Thr1002Ala)

Gene: DMD (dystrophin; minus strand). Cytogenetic location: Xp21.1.
Variant type: single nucleotide variant.
Coding change: c.3004A>G on transcript NM_004006.3 (MANE Select); coding-DNA position 3004, A replaced by G.
Protein change: p.Thr1002Ala; replaces threonine 1002 with alanine.
Molecular consequence: missense variant.
Genome position (GRCh38, 1-based): chrX:32,468,656, T>C on the plus strand (A>G on the coding strand, the complement: DMD is on the minus strand). VCF-style: chrX-32468656-T-C. GRCh37 (hg19) VCF-style: chrX-32486773-T-C.
Other names: c.2980A>G, p.Thr994Ala (NM_000109.4); c.2992A>G, p.Thr998Ala (NM_004009.3); c.2635A>G, p.Thr879Ala (NM_004010.3); c.3004A>G (NM_004006.2); short protein forms T1002A, T998A, T879A, T994A.
Identifiers: ClinVar variation 1376635 (VCV001376635.5), dbSNP rs1244241099, ClinGen allele CA412667077.
Genomic context (GRCh38, chrX:32,468,656, plus strand): 5'-ATTCTGATTGATATTTCCGGCTAATTTCAGAGGGCGCTTTCTTCGACATCTCTTTCACAG[T>C]GGTGCTGAGATAGTATAGGCCACTTTGTTGCTCTTGCAGAGAACTTTGTAAAGCCTAAAA-3'
Protein context (NP_003997.2, residues 992-1012): QQSGLYYLST[Thr1002Ala]VKEMSKKAPS

ClinVar aggregate classification (germline): Conflicting classifications of pathogenicity. Review status: criteria provided, conflicting classifications (1 of 4 stars). 2 submissions from 2 submitters: Uncertain significance (1); Likely benign (1). Last evaluated 2025-10-01.

Conditions:
Duchenne muscular dystrophy (DMD). Also called: MUSCULAR DYSTROPHY, PSEUDOHYPERTROPHIC PROGRESSIVE, DUCHENNE TYPE; Duchenne Muscular Dystrophy (DMD). Identifiers: Orphanet 98896, MedGen C0013264, MONDO:0010679, OMIM 310200.
Cardiovascular phenotype. Identifiers: MedGen CN230736.

Allele frequency attached by ClinVar (database versions not stated): gnomAD exomes 0.00001.
gnomAD v4.1: 41 of 1,209,526 alleles (0.0034%); highest among the groups gnomAD compares: Non-Finnish European, 0.0045%; no homozygotes.

Submissions (2):

Labcorp Genetics (formerly Invitae), Labcorp
Classification: Uncertain significance for Duchenne muscular dystrophy. Last evaluated: 2025-10-01. Review status: criteria provided, single submitter. Criteria: Invitae Variant Classification Sherloc (09022015). Collection method: clinical testing. Allele origin: germline.
Comment: This sequence change replaces threonine, which is neutral and polar, with alanine, which is neutral and non-polar, at codon 1002 of the DMD protein (p.Thr1002Ala). This variant is present in population databases (no rsID available, gnomAD 0.003%). This variant has not been reported in the literature in individuals affected with DMD-related conditions. ClinVar contains an entry for this variant (Variation ID: 1376635). Invitae Evidence Modeling of protein sequence and biophysical properties (such as structural, functional, and spatial information, amino acid conservation, physicochemical variation, residue mobility, and thermodynamic stability) indicates that this missense variant is not expected to disrupt DMD protein function with a negative predictive value of 95%. In summary, the available evidence is currently insufficient to determine the role of this variant in disease. Therefore, it has been classified as a Variant of Uncertain Significance.

Ambry Genetics
Classification: Likely benign for Cardiovascular phenotype. Last evaluated: 2025-03-14. Review status: criteria provided, single submitter. Criteria: Ambry Variant Classification Scheme 2023. Collection method: clinical testing. Allele origin: germline.